The following is an entry in ClinVar:

NM_000051.4(ATM):c.2778_2779del (p.Lys926fs)

Gene: ATM (ATM serine/threonine kinase; plus strand). Cytogenetic location: 11q22.3.
Variant type: Deletion.
Coding change: c.2778_2779del on transcript NM_000051.4 (MANE Select); coding-DNA positions 2778 to 2779, 2 bases deleted (AT; older notation c.2778_2779delAT).
Protein change: p.Lys926fs; shifts the reading frame from lysine 926.
Molecular consequence: frameshift variant.
Genome position (GRCh38, 1-based): chr11:108,268,549-108,268,550, AT deleted. VCF-style (leftmost placement, unchanged base first): chr11-108268548-AAT-A. GRCh37 (hg19) VCF-style: chr11-108139275-AAT-A.
Other names: c.2778_2779del, p.Lys926fs (NM_001351834.2); short protein forms K926fs.
Identifiers: ClinVar variation 1795865 (VCV001795865.6), dbSNP rs2497637279, ClinGen allele CA2580083169.
Genomic context (GRCh38, chr11:108,268,548, plus strand): 5'-TGTGTGTAACTACTGCTCAGACCAATACTGTGTCCTTTAGGGCAGCTGATATTCGGAGGA[AAT>A]TGTTAATGTTAATTGATTCTAGCACGCTAGAACCTACCAAATCCCTCCACCTGCATATGG-3'

ClinVar aggregate classification (germline): Pathogenic. Review status: criteria provided, multiple submitters, no conflicts (2 of 4 stars). 2 submissions from 2 submitters: Pathogenic (2). Last evaluated 2025-07-09.

Conditions:
Ataxia-telangiectasia syndrome (AT). Also called: Ataxia-telangiectasia, complementation group D; AT, COMPLEMENTATION GROUP C; ATAXIA-TELANGIECTASIA, COMPLEMENTATION GROUP A; ATAXIA-TELANGIECTASIA, FRESNO VARIANT; Ataxia-telangiectasia; LOUIS-BAR SYNDROME. Identifiers: Orphanet 100, MedGen C0004135, MONDO:0008840, OMIM 208900.
Hereditary cancer-predisposing syndrome. Also called: Neoplastic Syndromes, Hereditary; Tumor predisposition; Hereditary neoplastic syndrome; Hereditary Cancer Syndrome. Identifiers: Orphanet 140162, MedGen C0027672, MeSH D009386, MONDO:0015356.

Allele frequency attached by ClinVar (database versions not stated): gnomAD exomes below 0.00001.

Submissions (2):

Ambry Genetics
Classification: Pathogenic for Hereditary cancer-predisposing syndrome. Last evaluated: 2025-07-09. Review status: criteria provided, single submitter. Criteria: Ambry Variant Classification Scheme 2023. Collection method: clinical testing. Allele origin: germline.
Comment: The c.2778_2779delAT pathogenic mutation, located in coding exon 17 of the ATM gene, results from a deletion of two nucleotides at nucleotide positions 2778 to 2779, causing a translational frameshift with a predicted alternate stop codon (p.K926Nfs*6). This alteration is expected to result in loss of function by premature protein truncation or nonsense-mediated mRNA decay. As such, this alteration is interpreted as a disease-causing mutation.

Labcorp Genetics (formerly Invitae), Labcorp
Classification: Pathogenic for Ataxia-telangiectasia syndrome. Last evaluated: 2024-06-19. Review status: criteria provided, single submitter. Criteria: Invitae Variant Classification Sherloc (09022015). Collection method: clinical testing. Allele origin: germline.
Comment: This sequence change creates a premature translational stop signal (p.Lys926Asnfs*6) in the ATM gene. It is expected to result in an absent or disrupted protein product. Loss-of-function variants in ATM are known to be pathogenic (PMID: 23807571, 25614872). This variant is not present in population databases (gnomAD no frequency). This variant has not been reported in the literature in individuals affected with ATM-related conditions. ClinVar contains an entry for this variant (Variation ID: 1795865). For these reasons, this variant has been classified as Pathogenic.

Literature cited by the submitters: PubMed 23807571 (cited by Labcorp Genetics (formerly Invitae), Labcorp); PubMed 25614872 (cited by Labcorp Genetics (formerly Invitae), Labcorp).